The following is an entry in ClinVar:

ClinVar aggregate classification (germline): Uncertain significance (1 of 4 stars; one submission).

Submission:

Labcorp Genetics (formerly Invitae), Labcorp
Classification: Uncertain significance. Last evaluated: 2025-09-30. Review status: criteria provided, single submitter. Criteria: Invitae Variant Classification Sherloc (09022015). Collection method: clinical testing. Allele origin: germline.
Comment: This sequence change replaces histidine, which is basic and polar, with proline, which is neutral and non-polar, at codon 433 of the FMN1 protein (p.His433Pro). This variant is present in population databases (rs751528222, gnomAD 0.0009%). This variant has not been reported in the literature in individuals affected with FMN1-related conditions. Experimental studies and prediction algorithms are not available or were not evaluated, and the functional significance of this variant is currently unknown. In summary, the available evidence is currently insufficient to determine the role of this variant in disease. Therefore, it has been classified as a Variant of Uncertain Significance.

NM_001277313.2(FMN1):c.2044-1513A>C

Gene: FMN1 (formin 1; minus strand). Cytogenetic location: 15q13.3.
Variant type: single nucleotide variant.
Coding change: c.2044-1513A>C on transcript NM_001277313.2 (MANE Select); 1513 bases into the intron before coding-DNA position 2044, A replaced by C.
Molecular consequence: intron variant. On other transcripts: missense variant (1).
Genome position (GRCh38, 1-based): chr15:33,066,587, T>G on the plus strand (A>C on the coding strand, the complement: FMN1 is on the minus strand). VCF-style: chr15-33066587-T-G. GRCh37 (hg19) VCF-style: chr15-33358788-T-G.
Other names: c.1298A>C, p.His433Pro (NM_001103184.4); short protein forms H433P.
Identifiers: ClinVar variation 4736847 (VCV004736847.1).